The following is an entry in ClinVar:

ClinVar aggregate classification (germline): Conflicting classifications of pathogenicity. Review status: criteria provided, conflicting classifications (1 of 4 stars). 2 submissions from 2 submitters: Uncertain significance (1); Likely benign (1). Last evaluated 2025-05-16.

Conditions:
Neuronopathy, distal hereditary motor, autosomal recessive 5. Also called: Young adult-onset distal hereditary motor neuropathy; NEUROPATHY, DISTAL HEREDITARY MOTOR, AUTOSOMAL RECESSIVE 5; Spinal muscular atrophy, distal, autosomal recessive, 5. Identifiers: Orphanet 314485, Orphanet 443950, MedGen C4749918, MONDO:0013947, OMIM 614881.

Allele frequency attached by ClinVar (database versions not stated): gnomAD 0.00001 and 0.00004; TOPMed 0.00004; gnomAD exomes 0.00006 and 0.00013; ExAC 0.00011; 1000 Genomes Project 30x 0.00016; 1000 Genomes Project 0.00020.

Submissions (2):

Labcorp Genetics (formerly Invitae), Labcorp
Classification: Likely benign for Neuronopathy, distal hereditary motor, autosomal recessive 5. Last evaluated: 2025-05-16. Review status: criteria provided, single submitter. Criteria: Invitae Variant Classification Sherloc (09022015). Collection method: clinical testing. Allele origin: germline.

Mayo Clinic Laboratories, Mayo Clinic
Classification: Uncertain significance. Last evaluated: 2025-04-15. Review status: criteria provided, single submitter. Criteria: ACMG Guidelines, 2015. Collection method: clinical testing. Allele origin: germline. Observed: 2 variant alleles.
Comment: BP4

NM_006736.6(DNAJB2):c.385C>T (p.Arg129Trp)

Gene: DNAJB2 (DnaJ heat shock protein family (Hsp40) member B2; plus strand). Cytogenetic location: 2q35.
Variant type: single nucleotide variant.
Coding change: c.385C>T on transcript NM_006736.6 (MANE Select); coding-DNA position 385, C replaced by T.
Protein change: p.Arg129Trp; replaces arginine 129 with tryptophan.
Molecular consequence: missense variant.
Genome position (GRCh38, 1-based): chr2:219,282,869, C>T. VCF-style: chr2-219282869-C-T. GRCh37 (hg19) VCF-style: chr2-220147591-C-T.
Other names: p.Arg129Trp; c.385C>T, p.Arg129Trp (NM_001039550.2); short protein forms R129W.
Identifiers: ClinVar variation 718838 (VCV000718838.12), dbSNP rs373229634, ClinGen allele CA2122960.
Genomic context (GRCh38, chr2:219,282,869, plus strand): 5'-TGACTGCTAATCTGTTTACTTGTTGCAGATGACCTGGGCCCCTTCTCAGAGCTTCAGAAC[C>T]GGGGTTCCCGACACTCAGGCCCCTTCTTTACCTTCTCTTCCTCCTTCCCTGGGCACTCCG-3'
Protein context (NP_006727.2, residues 119-139): DLGPFSELQN[Arg129Trp]GSRHSGPFFT